The following is an entry in ClinVar:

NM_014908.4(DOLK):c.490G>A (p.Val164Met)

Gene: DOLK (dolichol kinase; minus strand). Cytogenetic location: 9q34.11.
Variant type: single nucleotide variant.
Coding change: c.490G>A on transcript NM_014908.4 (MANE Select); coding-DNA position 490, G replaced by A.
Protein change: p.Val164Met; replaces valine 164 with methionine.
Molecular consequence: missense variant.
Genome position (GRCh38, 1-based): chr9:128,946,814, C>T on the plus strand (G>A on the coding strand, the complement: DOLK is on the minus strand). VCF-style: chr9-128946814-C-T. GRCh37 (hg19) VCF-style: chr9-131709093-C-T.
Other names: short protein forms V164M.
Identifiers: ClinVar variation 1403971 (VCV001403971.5), dbSNP rs767933821, ClinGen allele CA5271736.

ClinVar aggregate classification (germline): Uncertain significance (1 of 4 stars; one submission).

Conditions:
DK1-congenital disorder of glycosylation. Also called: CONGENITAL DISORDER OF GLYCOSYLATION, TYPE Im; CDG Im; DK1 DEFICIENCY; DOLICHOL KINASE DEFICIENCY; DOLK-congenital disorder of glycosylation; Carbohydrate deficient glycoprotein syndrome type 1m. Identifiers: Orphanet 91131, MedGen C1835849, MONDO:0012556, OMIM 610768.

Allele frequency attached by ClinVar (database versions not stated): gnomAD exomes below 0.00001; ExAC 0.00001.

Submission:

Labcorp Genetics (formerly Invitae), Labcorp
Classification: Uncertain significance for DK1-congenital disorder of glycosylation. Last evaluated: 2021-09-17. Review status: criteria provided, single submitter. Criteria: Invitae Variant Classification Sherloc (09022015). Collection method: clinical testing. Allele origin: germline.
Comment: This sequence change replaces valine with methionine at codon 164 of the DOLK protein (p.Val164Met). The valine residue is moderately conserved and there is a small physicochemical difference between valine and methionine. This variant is present in population databases (rs767933821, ExAC 0.009%). This variant has not been reported in the literature in individuals affected with DOLK-related conditions. Algorithms developed to predict the effect of missense changes on protein structure and function are either unavailable or do not agree on the potential impact of this missense change (SIFT: "Deleterious"; PolyPhen-2: "Probably Damaging"; Align-GVGD: "Class C0"). In summary, the available evidence is currently insufficient to determine the role of this variant in disease. Therefore, it has been classified as a Variant of Uncertain Significance.